The following is an entry in ClinVar:

ClinVar aggregate classification (germline): Pathogenic (1 of 4 stars; one submission).

Conditions:
Diencephalic-mesencephalic junction dysplasia syndrome 1 (DMJDS1). Also called: Microcephaly with spastic quadriplegia. Identifiers: MedGen C4538630, MONDO:0009625, OMIM 251280.

Submission:

Institute of Human Genetics, University of Leipzig Medical Center
Classification: Pathogenic for Diencephalic-mesencephalic junction dysplasia syndrome 1. Last evaluated: 2026-05-13. Review status: criteria provided, single submitter. Criteria: ACMG Guidelines, 2015. Collection method: clinical testing. Allele origin: maternal. Inheritance: Autosomal recessive inheritance. Affected: yes.
Comment: Criteria applied: PVS1,PM2,PM3; Identified as compund heterozygous with NM_016580.4:c.2515C>T

NM_016580.4(PCDH12):c.2519_2520del (p.Glu840fs)

Genes: PCDH12 (protocadherin 12; minus strand), RNF14 (ring finger protein 14; plus strand). Cytogenetic location: 5q31.3.
Variant type: Microsatellite.
Coding change: c.2519_2520del on transcript NM_016580.4 (MANE Select); coding-DNA positions 2519 to 2520, 2 bases deleted (AG; older notation c.2519_2520delAG).
Protein change: p.Glu840fs; shifts the reading frame from glutamic acid 840.
Molecular consequence: frameshift variant.
Genome position (GRCh38, 1-based): chr5:141,955,332-141,955,333, CT deleted on the plus strand (AG on the coding strand, the reverse complement: PCDH12 is on the minus strand); deleting any 2 consecutive bases within chr5:141,955,332-141,955,336 gives the same sequence; the c. name uses the placement nearest the transcript's 3' end. VCF-style (leftmost placement, unchanged base first): chr5-141955331-CCT-C. GRCh37 (hg19) VCF-style: chr5-141334896-CCT-C.
Other names: short protein forms E840fs.
Identifiers: ClinVar variation 4857443 (VCV004857443.1), dbSNP rs1252931294.
Genomic context (GRCh38, chr5:141,955,331, plus strand): 5'-CCCGGGAGGCATTCCTCTGCCTGGGATGGTTGAAAAGGAGGTTGACCGTGTCTTGCAGCA[CCT>C]CTCGGCTCTCCGCCGGTGCTCCCTGGTTGCCTTGATTACGCAGCGTCCTGTACAGGGTCG-3'